The following is an entry in ClinVar:

ClinVar aggregate classification (germline): Uncertain significance (1 of 4 stars; one submission).

Conditions:
Delpire-McNeill syndrome. Also called: SLC12A2-related autosomal dominant infantile-developmental delay-intellectual disability-sensorineural deafness syndrome. Identifiers: Orphanet 633024, MedGen C5436771, MONDO:0033667, OMIM 619083.

Submission:

New York Genome Center
Classification: Uncertain significance for Delpire-McNeill syndrome. Last evaluated: 2021-03-26. Review status: criteria provided, single submitter. Criteria: NYGC Assertion Criteria 2020. Collection method: clinical testing. Allele origin: de novo. Observed: 1 heterozygote. Study: CSER-NYCKidSeq.
Comment: The de novo, deep intronic c.2616+1547G>T variant identified in the SLC12A2 gene substitutes a moderately conserved Guanine for Thymine in intron 17/26. This variant is absent from gnomAD (v3.1.1) suggesting it is not a common benign variant in the populations represented in that database. In silico algorithms (SpliceAI, Transcript inferred Pathogenicity Score (TraP)) do not predict that this variant will significantly alter splicing of the canonical transcript. This variant is absent from ClinVar and to our current knowledge has not been reported in affected individuals in the literature. While it is identified de novo in the affected individual and absent in population databases, the lack of additional compelling evidence for its pathogenicity results in the classification of the deep intronic c.2616+1547G>T variant identified in the SLC12A2 gene as a Variant of Uncertain Significance.

NM_001046.3(SLC12A2):c.2616+1547G>T

Gene: SLC12A2 (solute carrier family 12 member 2; plus strand). Cytogenetic location: 5q23.3.
Variant type: single nucleotide variant.
Coding change: c.2616+1547G>T on transcript NM_001046.3 (MANE Select); 1547 bases into the intron after coding-DNA position 2616, G replaced by T.
Molecular consequence: intron variant.
Genome position (GRCh38, 1-based): chr5:128,163,347, G>T. VCF-style: chr5-128163347-G-T. GRCh37 (hg19) VCF-style: chr5-127499039-G-T.
Other names: c.2616+1547G>T (NM_001256461.2).
Identifiers: ClinVar variation 1342498 (VCV001342498.1), dbSNP rs2126736189, ClinGen allele CA2573052412.